The following is an entry in ClinVar:

ClinVar aggregate classification (germline): Uncertain significance (1 of 4 stars; one submission).

gnomAD v4.1: 3 of 1,611,088 alleles (0.00019%); highest among the groups gnomAD compares: East Asian, 0.0022%; no homozygotes.

Submission:

Women's Health and Genetics/Laboratory Corporation of America, LabCorp
Classification: Uncertain significance. Last evaluated: 2026-02-02. Review status: criteria provided, single submitter. Criteria: LabCorp Variant Classification Summary - May 2015. Collection method: clinical testing. Allele origin: germline.
Comment: Variant summary: SCN10A c.*17T>A is located in the untranslated mRNA region downstream of the termination codon. The variant allele was found at a frequency of 1.9e-06 in 1611088 control chromosomes. The available data on variant occurrences in the general population are insufficient to allow any conclusion about variant significance. To our knowledge, no occurrence of c.*17T>A in individuals affected with SCN10A-related conditions and no experimental evidence demonstrating its impact on protein function have been reported. ClinVar contains an entry for this variant (Variation ID: 3902648). Based on the evidence outlined above, the variant was classified as uncertain significance.

NM_006514.4(SCN10A):c.*17T>A

Gene: SCN10A (sodium voltage-gated channel alpha subunit 10; minus strand). Cytogenetic location: 3p22.2.
Variant type: single nucleotide variant.
Coding change: c.*17T>A on transcript NM_006514.4 (MANE Select); 17 bases downstream of the stop codon, T replaced by A.
Molecular consequence: 3 prime UTR variant.
Genome position (GRCh38, 1-based): chr3:38,697,332, A>T on the plus strand (T>A on the coding strand, the complement: SCN10A is on the minus strand). VCF-style: chr3-38697332-A-T. GRCh37 (hg19) VCF-style: chr3-38738823-A-T.
Identifiers: ClinVar variation 3902648 (VCV003902648.2).
Genomic context (GRCh38, chr3:38,697,332, plus strand): 5'-GATCTGCAATGGGAAAGAGTTAACACAGAGCAGAAGGACGCATCATAACTGAACATATCC[A>T]GGCTGGAGTGTTCTCACTAGGGCCCAGGGGCAATCAGCTCCATACTGGTGGCTTCATCTT-3'